The following is an entry in ClinVar:

NM_002907.4(RECQL):c.695G>A (p.Arg232Lys)

Gene: RECQL (RecQ like helicase; minus strand). Cytogenetic location: 12p12.1.
Variant type: single nucleotide variant.
Coding change: c.695G>A on transcript NM_002907.4 (MANE Select); coding-DNA position 695, G replaced by A.
Protein change: p.Arg232Lys; replaces arginine 232 with lysine.
Molecular consequence: missense variant.
Genome position (GRCh38, 1-based): chr12:21,483,381, C>T on the plus strand (G>A on the coding strand, the complement: RECQL is on the minus strand). VCF-style: chr12-21483381-C-T. GRCh37 (hg19) VCF-style: chr12-21636315-C-T.
Other names: c.695G>A, p.Arg232Lys (NM_032941.3); short protein forms R232K.
Identifiers: ClinVar variation 1756320 (VCV001756320.3), dbSNP rs1943228560, ClinGen allele CA384126583.
Genomic context (GRCh38, chr12:21,483,381, plus strand): 5'-TGAGTAAGGACACGGTCTATGACATCAAAAAGTTTTCTAGATAAAACATACATACCAGGT[C>T]TGAAATCATGTCCCCACTGACTACAGCAGTGAACTTCATCCACAGCAATTCGAGTAAATC-3'
Protein context (NP_002898.2, residues 222-242): HCCSQWGHDF[Arg232Lys]PDYKALGILK

ClinVar aggregate classification (germline): Uncertain significance (1 of 4 stars; one submission).

Allele frequency attached by ClinVar (database versions not stated): gnomAD exomes below 0.00001; TOPMed 0.00001.
gnomAD v4.1: 1 of 1,600,106 alleles (0.000062%); highest among the groups gnomAD compares: Non-Finnish European, 0.000085%; no homozygotes.

Submission:

Ambry Genetics
Classification: Uncertain significance. Last evaluated: 2024-05-31. Review status: criteria provided, single submitter. Criteria: Ambry Variant Classification Scheme 2023. Collection method: clinical testing. Allele origin: germline.
Comment: The p.R232K variant (also known as c.695G>A), located in coding exon 5 of the RECQL gene, results from a G to A substitution at nucleotide position 695. The arginine at codon 232 is replaced by lysine, an amino acid with highly similar properties. This amino acid position is highly conserved in available vertebrate species. In addition, this alteration is predicted to be deleterious by in silico analysis. Since supporting evidence is limited at this time, the clinical significance of this alteration remains unclear.